The following is an entry in ClinVar:

ClinVar aggregate classification (germline): Benign/Likely benign. Review status: criteria provided, multiple submitters, no conflicts (2 of 4 stars). 5 submissions from 5 submitters: Benign (2); Likely benign (2). 1 of the submissions does not count toward it. Last evaluated 2026-01-27.

Conditions:
Fanconi anemia complementation group P. Also called: SLX4-Related Fanconi Anemia. Identifiers: Orphanet 84, MedGen C3469542, MONDO:0013499, OMIM 613951.
Fanconi anemia (FA). Also called: Fanconi's anemia. Identifiers: Orphanet 84, MedGen C0015625, MeSH D005199, MONDO:0019391.

Allele frequency attached by ClinVar (database versions not stated): gnomAD exomes 0.00014 and 0.00039; gnomAD 0.00016 and 0.00023; TOPMed 0.00019; ExAC 0.00033; 1000 Genomes Project 30x 0.00094; 1000 Genomes Project 0.00100.
gnomAD v4.1: 277 of 1,614,168 alleles (0.017%); highest among the groups gnomAD compares: East Asian, 0.29%; no homozygotes.

Submissions (5):

Labcorp Genetics (formerly Invitae), Labcorp
Classification: Benign for Fanconi anemia. Last evaluated: 2026-01-27. Review status: criteria provided, single submitter. Criteria: Invitae Variant Classification Sherloc (09022015). Collection method: clinical testing. Allele origin: germline.

Blueprint Genetics
Classification: Likely benign. Last evaluated: 2024-10-22. Review status: criteria provided, single submitter. Criteria: ACMG Guidelines, 2015. Collection method: clinical testing. Allele origin: germline.

KCCC/NGS Laboratory, Kuwait Cancer Control Center
Classification: Benign for Fanconi anemia complementation group P. Last evaluated: 2023-07-07. Review status: criteria provided, single submitter. Criteria: ACMG Guidelines, 2015. Collection method: clinical testing. Allele origin: germline. Affected: yes.

Illumina Laboratory Services, Illumina
Classification: Likely benign for Fanconi anemia complementation group P. Last evaluated: 2018-01-13. Review status: criteria provided, single submitter. Criteria: ICSL Variant Classification Criteria 13 December 2019. Collection method: clinical testing. Allele origin: germline.
Comment: This variant was observed in the ICSL laboratory as part of a predisposition screen in an ostensibly healthy population. It had not been previously curated by ICSL or reported in the Human Gene Mutation Database (HGMD: prior to June 1st, 2018), and was therefore a candidate for classification through an automated scoring system. Utilizing variant allele frequency, disease prevalence and penetrance estimates, and inheritance mode, an automated score was calculated to assess if this variant is too frequent to cause the disease. Based on the score and internal cut-off values, a variant classified as likely benign is not then subjected to further curation. The score for this variant resulted in a classification of likely benign for this disease.

Leiden Open Variation Database
Classification: Likely benign. Last evaluated: 2012-08-31. Review status: no assertion criteria provided. Collection method: curation. Allele origin: germline. Affected: yes. Not counted in ClinVar's aggregate classification.
Comment: Curator: Arleen D. Auerbach. Submitter to LOVD: Janine Bakker.

Literature cited by the submitters: PubMed 22911665 (cited by Leiden Open Variation Database).

NM_032444.4(SLX4):c.2628C>T (p.Asp876=)

Gene: SLX4 (SLX4 structure-specific endonuclease subunit; minus strand). Cytogenetic location: 16p13.3.
Variant type: single nucleotide variant.
Coding change: c.2628C>T on transcript NM_032444.4 (MANE Select); coding-DNA position 2628, C replaced by T.
Protein change: p.Asp876=; no amino-acid change (aspartic acid 876 retained).
Molecular consequence: synonymous variant.
Genome position (GRCh38, 1-based): chr16:3,591,010, G>A on the plus strand (C>T on the coding strand, the complement: SLX4 is on the minus strand). VCF-style: chr16-3591010-G-A. GRCh37 (hg19) VCF-style: chr16-3641011-G-A.
Other names: c.2628C>T (LRG_503t1, NM_032444.3).
Identifiers: ClinVar variation 241673 (VCV000241673.18), dbSNP rs201279467, ClinGen allele CA7866113.